The following is an entry in ClinVar:

NM_001846.4(COL4A2):c.2687G>A (p.Gly896Glu)

Gene: COL4A2 (collagen type IV alpha 2 chain; plus strand). Cytogenetic location: 13q34.
Variant type: single nucleotide variant.
Coding change: c.2687G>A on transcript NM_001846.4 (MANE Select); coding-DNA position 2687, G replaced by A.
Protein change: p.Gly896Glu; replaces glycine 896 with glutamic acid.
Molecular consequence: missense variant.
Genome position (GRCh38, 1-based): chr13:110,480,319, G>A. VCF-style: chr13-110480319-G-A. GRCh37 (hg19) VCF-style: chr13-111132666-G-A.
Other names: short protein forms G896E.
Identifiers: ClinVar variation 3255204 (VCV003255204.1), dbSNP rs2502158166.

ClinVar aggregate classification (germline): Likely pathogenic (1 of 4 stars; one submission).

Conditions:
Brain small vessel disease 2A, autosomal dominant. Also called: Porencephaly 2. Identifiers: Orphanet 2940, Orphanet 99810, MedGen C3280970, MONDO:0013773, OMIM 614483.

Submission:

Victorian Clinical Genetics Services, Murdoch Childrens Research Institute
Classification: Likely pathogenic for Brain small vessel disease 2A, autosomal dominant. Last evaluated: 2023-12-21. Review status: criteria provided, single submitter. Criteria: ACMG Guidelines, 2015. Collection method: clinical testing. Allele origin: germline. Inheritance: Autosomal dominant inheritance.
Comment: Based on the classification scheme VCGS_Germline_v1.3.4, this variant is classified as Likely pathogenic. Following criteria are met: 0105 - The mechanism of disease for this gene is not clearly established. The mechanism resembles that of the COL4A1 gene, including loss-of-function and dominant negative, with the latter resulting from glycine substitutions on the G-X-Y motif (PMIDs: 22209246, 22209247, 24001601). (I) 0107 - This gene is associated with autosomal dominant disease. However, there is emerging evidence of biallelic inheritance leading to intellectual disability, epilepsy, and spastic cerebral palsy (PMID: 33912663). (I) 0112 - The condition associated with this gene has incomplete penetrance (OMIM, PMID: 33912663). (I) 0115 - Variants in this gene are known to have variable expressivity (PMID: 27794444). (I) 0200 - Variant is predicted to result in a missense amino acid change from glycine to glutamic acid. (I) 0251 - This variant is heterozygous. (I) 0301 - Variant is absent from gnomAD (both v2 and v3). (SP) 0501 - Missense variant consistently predicted to be damaging by multiple in silico tools and very highly conserved with a moderate amino acid change. (SP) 0601 - Variant is located in the well-established functional Gly-X-Y motif within the collagen repeat domain and affects a glycine residue (DECIPHER). (SP) 0705 - No comparable missense variants have previous evidence for pathogenicity. (I) 0807 - This variant has no previous evidence of pathogenicity. (I) 1007 - No published functional evidence has been identified for this variant. (I) Legend: (SP) - Supporting pathogenic, (I) - Information, (SB) - Supporting benign

Literature cited by the submitters: PubMed 22209246; PubMed 22209247; PubMed 24001601; PubMed 27794444; PubMed 33912663.